The following is an entry in ClinVar:

NM_001243133.2(NLRP3):c.1569C>G (p.Phe523Leu)

Gene: NLRP3 (NLR family pyrin domain containing 3; plus strand). Cytogenetic location: 1q44.
Variant type: single nucleotide variant.
Coding change: c.1569C>G on transcript NM_001243133.2 (MANE Select); coding-DNA position 1569, C replaced by G.
Protein change: p.Phe523Leu; replaces phenylalanine 523 with leucine.
Molecular consequence: missense variant.
Genome position (GRCh38, 1-based): chr1:247,425,018, C>G. VCF-style: chr1-247425018-C-G. GRCh37 (hg19) VCF-style: chr1-247588320-C-G.
Other names: c.1569C>G, p.Phe523Leu (NM_001079821.3, NM_001127461.3, NM_001127462.3 and 1 more transcripts); c.1575C>G, p.Phe525Leu (NM_004895.5); short protein forms F525L, F523L.
Identifiers: ClinVar variation 97938 (VCV000097938.2), dbSNP rs180177439, ClinGen allele CA281233.

ClinVar aggregate classification (germline): Likely pathogenic. Review status: criteria provided, single submitter (1 of 4 stars). 2 submissions from 2 submitters: Likely pathogenic (1). 1 of the submissions does not count toward it. Last evaluated 2022-04-05.

Conditions:
NLRP3-related disorder. Also called: NLRP3-related condition; NLRP3-Related Disorders.
Familial cold autoinflammatory syndrome 1 (FCAS1). Also called: Familial cold inflammatory syndrome 1; CRYOPYRIN-ASSOCIATED PERIODIC SYNDROME 1. Identifiers: Orphanet 47045, MedGen C4551895, MONDO:0007349, OMIM 120100.

Submissions (2):

Blueprint Genetics
Classification: Likely pathogenic for NLRP3-related disorders. Last evaluated: 2022-04-05. Review status: criteria provided, single submitter. Criteria: ACMG Guidelines, 2015. Collection method: clinical testing. Allele origin: germline. Affected: yes. Observed: 1 variant allele.

Unité médicale des maladies autoinflammatoires, CHRU Montpellier
No classification provided. Condition: Familial cold urticaria. Review status: no classification provided. Collection method: not provided. Allele origin: unknown. Not counted in ClinVar's aggregate classification.
Comment: also involved in OMIM 191900 and 607115